The following is an entry in ClinVar:

ClinVar aggregate classification (germline): Benign (1 of 4 stars; one submission).

Conditions:
NAFLD1 (FLD1). Also called: Fatty liver disease, nonalcoholic 1; FATTY LIVER DISEASE, SUSCEPTIBILITY TO, 1. Identifiers: MedGen C2750440, MONDO:0021105, OMIM 613282.

Allele frequency attached by ClinVar (database versions not stated): 1000 Genomes Project 30x 0.00406; 1000 Genomes Project 0.00439; TOPMed 0.00577; gnomAD 0.00690 and 0.00696; gnomAD exomes 0.00738 and 0.00905; ExAC 0.00842; ESP Exome Variant Server 0.00855.
gnomAD v4.1: 4,390 of 524,334 alleles (0.84%); highest among the groups gnomAD compares: Non-Finnish European, 1.2%; 33 homozygotes.

Submission:

Illumina Laboratory Services, Illumina
Classification: Benign for NAFLD1. Last evaluated: 2017-04-27. Review status: criteria provided, single submitter. Criteria: ICSL Variant Classification Criteria 13 December 2019. Collection method: clinical testing. Allele origin: germline.
Comment: This variant was observed as part of a predisposition screen in an ostensibly healthy population. A literature search was performed for the gene, cDNA change, and amino acid change (where applicable). No publications were found based on this search. Allele frequency data from public databases was too high to be consistent with this variant causing disease. Therefore, this variant is classified as benign.

NM_025225.3(PNPLA3):c.*393G>C

Gene: PNPLA3 (patatin like domain 3, 1-acylglycerol-3-phosphate O-acyltransferase; plus strand). Cytogenetic location: 22q13.31.
Variant type: single nucleotide variant.
Coding change: c.*393G>C on transcript NM_025225.3 (MANE Select); 393 bases downstream of the stop codon, G replaced by C.
Molecular consequence: 3 prime UTR variant.
Genome position (GRCh38, 1-based): chr22:43,946,775, G>C. VCF-style: chr22-43946775-G-C. GRCh37 (hg19) VCF-style: chr22-44342655-G-C.
Identifiers: ClinVar variation 900834 (VCV000900834.4), dbSNP rs41278871, ClinGen allele CA10278307.
Genomic context (GRCh38, chr22:43,946,775, plus strand): 5'-TGGATGGGTGGGGGCCTTGTGATGGGGGGTAGGCTGGCCCATGTGTGATCTTGTGGGGTG[G>C]AGGGAAGAGAATAGCATGATCCCACTTCCCCATGCTGTGGGAAGGGGTGCAGTTCGTCCC-3'